The following is an entry in ClinVar:

NM_031372.4(HNRNPDL):c.110_113delinsCGCC (p.Gln37_Leu38delinsProPro)

Gene: HNRNPDL (heterogeneous nuclear ribonucleoprotein D like; minus strand). Cytogenetic location: 4q21.22.
Variant type: Indel.
Coding change: c.110_113delinsCGCC on transcript NM_031372.4 (MANE Select); coding-DNA positions 110 to 113, AGCT replaced by CGCC.
Protein change: p.Gln37_Leu38delinsProPro.
Molecular consequence: missense variant. On other transcripts: non-coding transcript variant (1).
Genome position (GRCh38, 1-based): chr4:82,429,578-82,429,581, AGCT replaced by GGCG on the plus strand (AGCT replaced by CGCC on the coding strand, the reverse complement: HNRNPDL is on the minus strand). VCF-style: chr4-82429578-AGCT-GGCG. GRCh37 (hg19) VCF-style: chr4-83350731-AGCT-GGCG.
Other names: c.110_113delinsCGCC, p.Gln37_Leu38delinsProPro (NM_001207000.1).
Identifiers: ClinVar variation 2432506 (VCV002432506.4), dbSNP rs2530025725, ClinGen allele CA2580071855.

ClinVar aggregate classification (germline): Uncertain significance. Review status: criteria provided, multiple submitters, no conflicts (2 of 4 stars). 2 submissions from 2 submitters: Uncertain significance (2). Last evaluated 2024-12-06.

Conditions:
Autosomal dominant limb-girdle muscular dystrophy type 1G (LGMDD3). Also called: Limb-girdle muscular dystrophy, type 1G; MUSCULAR DYSTROPHY, LIMB-GIRDLE, AUTOSOMAL DOMINANT 3. Identifiers: Orphanet 55596, MedGen C1836765, MONDO:0012193, OMIM 609115.

Submissions (2):

Revvity Omics, Revvity
Classification: Uncertain significance for Autosomal dominant limb-girdle muscular dystrophy type 1G. Last evaluated: 2024-12-06. Review status: criteria provided, single submitter. Criteria: ACMG Guidelines, 2015. Collection method: clinical testing. Allele origin: germline.

Women's Health and Genetics/Laboratory Corporation of America, LabCorp
Classification: Uncertain significance. Last evaluated: 2024-06-10. Review status: criteria provided, single submitter. Criteria: LabCorp Variant Classification Summary - May 2015. Collection method: clinical testing. Allele origin: germline.
Comment: Variant summary: HNRNPDL c.110_113delinsCGCC (p.Gln37_Leu38delinsProPro) results in an in-frame deletion-insertion that is predicted to delete 2 and insert 2 amino acids from the encoded protein sequence. The variant was absent in 47068 control chromosomes (gnomAD). The available data on variant occurrences in the general population are insufficient to allow any conclusion about variant significance. To our knowledge, no occurrence of c.110_113delinsCGCC in individuals affected with autosomal dominant Limb-Girdle Muscular Dystrophy Type 1G and no experimental evidence demonstrating its impact on protein function have been reported. ClinVar contains an entry for this variant (Variation ID: 2432506). Based on the evidence outlined above, the variant was classified as uncertain significance.